The following is an entry in ClinVar:

ClinVar aggregate classification (germline): Likely pathogenic (1 of 4 stars; one submission).

Conditions:
Metachromatic leukodystrophy (MLD). Also called: SULFATIDE LIPIDOSIS; CEREBROSIDE SULFATASE DEFICIENCY; ARSA DEFICIENCY; METACHROMATIC LEUKOENCEPHALOPATHY; Cerebral sclerosis diffuse metachromatic form; Arylsulfatase A Deficiency. Identifiers: Orphanet 512, MedGen C0023522, MONDO:0018868, OMIM 250100.

Submission:

Labcorp Genetics (formerly Invitae), Labcorp
Classification: Likely pathogenic for Metachromatic leukodystrophy. Last evaluated: 2022-12-31. Review status: criteria provided, single submitter. Criteria: Invitae Variant Classification Sherloc (09022015). Collection method: clinical testing. Allele origin: germline.
Comment: In summary, the currently available evidence indicates that the variant is pathogenic, but additional data are needed to prove that conclusively. Therefore, this variant has been classified as Likely Pathogenic. This variant disrupts the p.Asp257 amino acid residue in ARSA. Other variant(s) that disrupt this residue have been determined to be pathogenic (PMID: 8982952, 10477432, 12445909, 15720392). This suggests that this residue is clinically significant, and that variants that disrupt this residue are likely to be disease-causing. Advanced modeling of protein sequence and biophysical properties (such as structural, functional, and spatial information, amino acid conservation, physicochemical variation, residue mobility, and thermodynamic stability) performed at Invitae indicates that this missense variant is expected to disrupt ARSA protein function. This variant has not been reported in the literature in individuals affected with ARSA-related conditions. This variant is not present in population databases (gnomAD no frequency). This sequence change replaces aspartic acid, which is acidic and polar, with glutamic acid, which is acidic and polar, at codon 257 of the ARSA protein (p.Asp257Glu).

Literature cited by the submitters: PubMed 8982952; PubMed 10477432; PubMed 12445909; PubMed 15720392.

NM_000487.6(ARSA):c.771T>G (p.Asp257Glu)

Gene: ARSA (arylsulfatase A; minus strand). Cytogenetic location: 22q13.33.
Variant type: single nucleotide variant.
Coding change: c.771T>G on transcript NM_000487.6 (MANE Select); coding-DNA position 771, T replaced by G.
Protein change: p.Asp257Glu; replaces aspartic acid 257 with glutamic acid.
Molecular consequence: missense variant.
Genome position (GRCh38, 1-based): chr22:50,626,674, A>C on the plus strand (T>G on the coding strand, the complement: ARSA is on the minus strand). VCF-style: chr22-50626674-A-C. GRCh37 (hg19) VCF-style: chr22-51065102-A-C.
Other names: c.771T>G, p.Asp257Glu (NM_001085425.3, NM_001085426.3, NM_001085427.3); c.513T>G, p.Asp171Glu (NM_001085428.3, NM_001362782.2); short protein forms D171E, D257E.
Identifiers: ClinVar variation 2825551 (VCV002825551.3), dbSNP rs563053401, ClinGen allele CA412176240.
Genomic context (GRCh38, chr22:50,626,674, plus strand): 5'-CAGCGTCTCTTCAAGCAGCCCCAGGTCCCCTATGGCTGTCATCAGGGTCCCCACAGCTGC[A>C]TCCAGCTCCATCAGGGAGTCCCCAAATGGCCCGCGGCCTGAACGCTCTGCAAAGCTCTGC-3'
Protein context (NP_000478.3, residues 247-267): GPFGDSLMEL[Asp257Glu]AAVGTLMTAI